The following is an entry in ClinVar:

ClinVar aggregate classification (germline): Likely benign. Review status: reviewed by expert panel (3 of 4 stars). 6 submissions from 6 submitters: Likely benign (1). 5 of the submissions do not count toward it. Last evaluated 2017-06-29.

Conditions:
Hereditary cancer-predisposing syndrome. Also called: Tumor predisposition; Hereditary Cancer Syndrome; Neoplastic Syndromes, Hereditary; Hereditary neoplastic syndrome. Identifiers: Orphanet 140162, MedGen C0027672, MeSH D009386, MONDO:0015356.
Hereditary breast ovarian cancer syndrome. Also called: Hereditary breast and ovarian cancer; Hereditary breast and/or ovarian cancer syndrome; BRCA1- and BRCA2-Associated Hereditary Breast and Ovarian Cancer; Hereditary breast and ovarian cancer syndrome; Hereditary breast and ovarian cancer syndrome (HBOC); Breast and ovarian cancer. Identifiers: Orphanet 145, MedGen C0677776, MeSH D061325, MONDO:0003582. Disease mechanism: loss of function.
Breast-ovarian cancer, familial, susceptibility to, 2 (BROVCA2). Also called: BRCA2 Hereditary Breast and Ovarian Cancer. Identifiers: Orphanet 145, MedGen C2675520, MONDO:0012933, OMIM 612555. Disease mechanism: loss of function.

Allele frequency attached by ClinVar (database versions not stated): gnomAD exomes 0.00001.
gnomAD v4.1: 10 of 1,614,044 alleles (0.00062%); highest among the groups gnomAD compares: Non-Finnish European, 0.00076%; no homozygotes.

Submissions (6):

Evidence-based Network for the Interpretation of Germline Mutant Alleles (ENIGMA)
Classification: Likely benign for Breast-ovarian cancer, familial, susceptibility to, 2. Last evaluated: 2017-06-29. Review status: reviewed by expert panel. Criteria: ENIGMA BRCA1/2 Classification Criteria (2017-06-29). Collection method: curation. Allele origin: germline.
Comment: Synonymous substitution variant, with low bioinformatic likelihood to result in a splicing aberration (Splicing prior probability 0.02).

Women's Health and Genetics/Laboratory Corporation of America, LabCorp
Classification: Likely benign. Last evaluated: 2024-12-08. Review status: criteria provided, single submitter. Criteria: LabCorp Variant Classification Summary - May 2015. Collection method: clinical testing. Allele origin: germline. Not counted in ClinVar's aggregate classification.

Labcorp Genetics (formerly Invitae), Labcorp
Classification: Likely benign for Hereditary breast ovarian cancer syndrome. Last evaluated: 2024-09-15. Review status: criteria provided, single submitter. Criteria: Invitae Variant Classification Sherloc (09022015). Collection method: clinical testing. Allele origin: germline. Not counted in ClinVar's aggregate classification.

All of Us Research Program, National Institutes of Health
Classification: Likely benign for Breast-ovarian cancer, familial, susceptibility to, 2. Last evaluated: 2023-08-08. Review status: criteria provided, single submitter. Criteria: ACMG Guidelines, 2015. Collection method: clinical testing. Allele origin: germline. Inheritance: Autosomal dominant inheritance. Observed: 2 variant alleles, 2 heterozygotes. Not counted in ClinVar's aggregate classification.
Comment: This study involves interpretation of variants in research participants for the purpose of population health screening. Participant phenotype was not available at the time of variant classification. Additional details can be found in publication PMID: 35346344, PMCID: PMC8962531

Ambry Genetics
Classification: Likely benign for Hereditary cancer-predisposing syndrome. Last evaluated: 2015-11-01. Review status: criteria provided, single submitter. Criteria: Ambry Variant Classification Scheme 2023. Collection method: clinical testing. Allele origin: germline. Not counted in ClinVar's aggregate classification.

Breast Cancer Information Core (BIC) (BRCA2)
Classification: Uncertain significance for Breast-ovarian cancer, familial 2. Last evaluated: 1998-11-23. Review status: no assertion criteria provided. Collection method: clinical testing. Allele origin: germline. Affected: yes. Observed: 1 variant allele. Not counted in ClinVar's aggregate classification.

NM_000059.4(BRCA2):c.7764A>T (p.Ile2588=)

Gene: BRCA2 (BRCA2 DNA repair associated; plus strand). Cytogenetic location: 13q13.1.
Variant type: single nucleotide variant.
Coding change: c.7764A>T on transcript NM_000059.4 (MANE Select); coding-DNA position 7764, A replaced by T.
Protein change: p.Ile2588=; no amino-acid change (isoleucine 2588 retained).
Molecular consequence: synonymous variant.
Genome position (GRCh38, 1-based): chr13:32,357,888, A>T. VCF-style: chr13-32357888-A-T. GRCh37 (hg19) VCF-style: chr13-32932025-A-T.
Other names: 7992A/T.
Identifiers: ClinVar variation 126156 (VCV000126156.13), dbSNP rs80359798, ClinGen allele CA025266.